The following is an entry in ClinVar:

ClinVar aggregate classification (germline): Uncertain significance (1 of 4 stars; one submission).

Conditions:
Atrial fibrillation, familial, 7 (ATFB7). Identifiers: MedGen C2677106, MONDO:0012828, OMIM 612240.

Submission:

Labcorp Genetics (formerly Invitae), Labcorp
Classification: Uncertain significance for Atrial fibrillation, familial, 7. Last evaluated: 2025-12-17. Review status: criteria provided, single submitter. Criteria: Invitae Variant Classification Sherloc (09022015). Collection method: clinical testing. Allele origin: germline.
Comment: This sequence change replaces proline, which is neutral and non-polar, with leucine, which is neutral and non-polar, at codon 92 of the KCNA5 protein (p.Pro92Leu). This variant is not present in population databases (gnomAD no frequency). This variant has not been reported in the literature in individuals affected with KCNA5-related conditions. An algorithm developed to predict the effect of missense changes on protein structure and function outputs the following: PolyPhen-2: "Benign". The leucine amino acid residue is found in multiple mammalian species, which suggests that this missense change does not adversely affect protein function. In summary, the available evidence is currently insufficient to determine the role of this variant in disease. Therefore, it has been classified as a Variant of Uncertain Significance.

NM_002234.4(KCNA5):c.275C>T (p.Pro92Leu)

Gene: KCNA5 (potassium voltage-gated channel subfamily A member 5; plus strand). Cytogenetic location: 12p13.32.
Variant type: single nucleotide variant.
Coding change: c.275C>T on transcript NM_002234.4 (MANE Select); coding-DNA position 275, C replaced by T.
Protein change: p.Pro92Leu; replaces proline 92 with leucine.
Molecular consequence: missense variant.
Genome position (GRCh38, 1-based): chr12:5,044,422, C>T. VCF-style: chr12-5044422-C-T. GRCh37 (hg19) VCF-style: chr12-5153588-C-T.
Other names: short protein forms P92L.
Identifiers: ClinVar variation 4737478 (VCV004737478.1).